The following is an entry in ClinVar:

ClinVar aggregate classification (germline): Uncertain significance (1 of 4 stars; one submission).

Conditions:
2-aminoadipic 2-oxoadipic aciduria (AAKAD). Also called: Aminoadipic aciduria; ALPHA-AMINOADIPIC AND ALPHA-KETOADIPIC ACIDURIA. Identifiers: Orphanet 79154, MedGen C1859817, MONDO:0008774, OMIM 204750.

Submission:

Labcorp Genetics (formerly Invitae), Labcorp
Classification: Uncertain significance for 2-aminoadipic 2-oxoadipic aciduria. Last evaluated: 2025-01-10. Review status: criteria provided, single submitter. Criteria: Invitae Variant Classification Sherloc (09022015). Collection method: clinical testing. Allele origin: germline.
Comment: This sequence change replaces glutamine, which is neutral and polar, with glutamic acid, which is acidic and polar, at codon 367 of the DHTKD1 protein (p.Gln367Glu). This variant is not present in population databases (gnomAD no frequency). This variant has not been reported in the literature in individuals affected with DHTKD1-related conditions. ClinVar contains an entry for this variant (Variation ID: 1937911). Invitae Evidence Modeling of protein sequence and biophysical properties (such as structural, functional, and spatial information, amino acid conservation, physicochemical variation, residue mobility, and thermodynamic stability) indicates that this missense variant is expected to disrupt DHTKD1 protein function with a positive predictive value of 80%. In summary, the available evidence is currently insufficient to determine the role of this variant in disease. Therefore, it has been classified as a Variant of Uncertain Significance.

NM_018706.7(DHTKD1):c.1099C>G (p.Gln367Glu)

Gene: DHTKD1 (dehydrogenase E1 and transketolase domain containing 1; plus strand). Cytogenetic location: 10p14.
Variant type: single nucleotide variant.
Coding change: c.1099C>G on transcript NM_018706.7 (MANE Select); coding-DNA position 1099, C replaced by G.
Protein change: p.Gln367Glu; replaces glutamine 367 with glutamic acid.
Molecular consequence: missense variant.
Genome position (GRCh38, 1-based): chr10:12,091,624, C>G. VCF-style: chr10-12091624-C-G. GRCh37 (hg19) VCF-style: chr10-12133623-C-G.
Other names: short protein forms Q367E.
Identifiers: ClinVar variation 1937911 (VCV001937911.5), dbSNP rs2491482030, ClinGen allele CA376019448.